The following is an entry in ClinVar:

NM_001367873.1(SOX6):c.918G>C (p.Gln306His)

Gene: SOX6 (SRY-box transcription factor 6; minus strand). Cytogenetic location: 11p15.2.
Variant type: single nucleotide variant.
Coding change: c.918G>C on transcript NM_001367873.1 (MANE Select); coding-DNA position 918, G replaced by C.
Protein change: p.Gln306His; replaces glutamine 306 with histidine.
Molecular consequence: missense variant.
Genome position (GRCh38, 1-based): chr11:16,097,669, C>G on the plus strand (G>C on the coding strand, the complement: SOX6 is on the minus strand). VCF-style: chr11-16097669-C-G. GRCh37 (hg19) VCF-style: chr11-16119215-C-G.
Other names: c.918G>C, p.Gln306His (NM_001145811.2, NM_001145819.2, NM_001367872.1 and 2 more transcripts); short protein forms Q306H.
Identifiers: ClinVar variation 1298506 (VCV001298506.38), dbSNP rs141718442, ClinGen allele CA5898299.

ClinVar aggregate classification (germline): Conflicting classifications of pathogenicity. Review status: criteria provided, conflicting classifications (1 of 4 stars). 4 submissions from 4 submitters: Uncertain significance (3); Likely benign (1). Last evaluated 2025-09-05.

Conditions:
Inborn genetic diseases. Identifiers: MedGen C0950123, MeSH D030342.

Allele frequency attached by ClinVar (database versions not stated): ExAC 0.00024; TOPMed 0.00025; gnomAD exomes 0.00026 and 0.00060; gnomAD 0.00030 and 0.00031; ESP Exome Variant Server 0.00038.
gnomAD v4.1: 917 of 1,610,982 alleles (0.057%); highest among the groups gnomAD compares: Non-Finnish European, 0.072%; 1 homozygote.

Submissions (4):

Labcorp Genetics (formerly Invitae), Labcorp
Classification: Uncertain significance. Last evaluated: 2025-09-05. Review status: criteria provided, single submitter. Criteria: Invitae Variant Classification Sherloc (09022015). Collection method: clinical testing. Allele origin: germline.
Comment: This sequence change replaces glutamine, which is neutral and polar, with histidine, which is basic and polar, at codon 306 of the SOX6 protein (p.Gln306His). This variant is present in population databases (rs141718442, gnomAD 0.04%), and has an allele count higher than expected for a pathogenic variant. This variant has not been reported in the literature in individuals affected with SOX6-related conditions. ClinVar contains an entry for this variant (Variation ID: 1298506). Invitae Evidence Modeling of protein sequence and biophysical properties (such as structural, functional, and spatial information, amino acid conservation, physicochemical variation, residue mobility, and thermodynamic stability) indicates that this missense variant is not expected to disrupt SOX6 protein function with a negative predictive value of 80%. In summary, the available evidence is currently insufficient to determine the role of this variant in disease. Therefore, it has been classified as a Variant of Uncertain Significance.

GeneDx
Classification: Uncertain significance. Last evaluated: 2023-02-23. Review status: criteria provided, single submitter. Criteria: GeneDx Variant Classification Process June 2021. Collection method: clinical testing. Allele origin: germline. Affected: yes.
Comment: In silico analysis supports that this missense variant has a deleterious effect on protein structure/function; Has not been previously published as pathogenic or benign to our knowledge

Ambry Genetics
Classification: Likely benign for Inborn genetic diseases. Last evaluated: 2022-03-29. Review status: criteria provided, single submitter. Criteria: Ambry Variant Classification Scheme 2023. Collection method: clinical testing. Allele origin: germline.

CeGaT Center for Human Genetics Tuebingen
Classification: Uncertain significance. Last evaluated: 2021-09-01. Review status: criteria provided, single submitter. Criteria: CeGaT Center For Human Genetics Tuebingen Variant Classification Criteria Version 2. Collection method: clinical testing. Allele origin: germline. Affected: yes. Observed: 1 variant allele.